The following is an entry in ClinVar:

NM_139319.3(SLC17A8):c.1736A>T (p.Gln579Leu)

Gene: SLC17A8 (solute carrier family 17 member 8; plus strand). Cytogenetic location: 12q23.1.
Variant type: single nucleotide variant.
Coding change: c.1736A>T on transcript NM_139319.3 (MANE Select); coding-DNA position 1736, A replaced by T.
Protein change: p.Gln579Leu; replaces glutamine 579 with leucine.
Molecular consequence: missense variant.
Genome position (GRCh38, 1-based): chr12:100,420,125, A>T. VCF-style: chr12-100420125-A-T. GRCh37 (hg19) VCF-style: chr12-100813903-A-T.
Other names: c.1586A>T, p.Gln529Leu (NM_001145288.2); short protein forms Q529L, Q579L.
Identifiers: ClinVar variation 2446512 (VCV002446512.1), dbSNP rs768565972, ClinGen allele CA6739091.
Genomic context (GRCh38, chr12:100,420,125, plus strand): 5'-AGAAGGAATGGAAAGGACAGAGAGGAGCGACCCTTGATGAGGAAGAGCTGACATCCTACC[A>T]GAATGAAGAGAGAAACTTCTCAACTATATCCTAATGTCTGAGAGGCACTTCTGTCTTCTC-3'
Protein context (NP_647480.1, residues 569-589): TLDEEELTSY[Gln579Leu]NEERNFSTIS

ClinVar aggregate classification (germline): Uncertain significance (1 of 4 stars; one submission).

Allele frequency attached by ClinVar (database versions not stated): gnomAD exomes below 0.00001; ExAC 0.00001; TOPMed 0.00001.
gnomAD v4.1: 2 of 1,613,828 alleles (0.00012%); highest among the groups gnomAD compares: Admixed American, 0.0017%; no homozygotes.

Submission:

GeneDx
Classification: Uncertain significance. Last evaluated: 2022-10-03. Review status: criteria provided, single submitter. Criteria: GeneDx Variant Classification Process June 2021. Collection method: clinical testing. Allele origin: germline. Affected: yes.
Comment: Not observed at significant frequency in large population cohorts (gnomAD); In silico analysis supports that this missense variant does not alter protein structure/function; Has not been previously published as pathogenic or benign to our knowledge